The following is an entry in ClinVar:

NM_004360.5(CDH1):c.2165-11dup

Gene: CDH1 (cadherin 1; plus strand). Cytogenetic location: 16q22.1.
Variant type: Duplication.
Coding change: c.2165-11dup on transcript NM_004360.5 (MANE Select); 11 bases into the intron before coding-DNA position 2165, one base duplicated (C; older notation c.2165-11dupC).
Molecular consequence: intron variant.
Genome position (GRCh38, 1-based): chr16:68,828,163, C duplicated; the last of 5 consecutive C bases (chr16:68,828,159-68,828,163); duplicating any one gives the same sequence. VCF-style (leftmost placement, unchanged base first): chr16-68828158-T-TC. GRCh37 (hg19) VCF-style: chr16-68862061-T-TC.
Other names: c.617-11dup (NM_001317185.2); c.200-11dup (NM_001317186.2); c.1982-11dup (NM_001317184.2).
Identifiers: ClinVar variation 2970628 (VCV002970628.4), dbSNP rs2152141349, ClinGen allele CA2576038752.

ClinVar aggregate classification (germline): Benign/Likely benign. Review status: criteria provided, multiple submitters, no conflicts (2 of 4 stars). 2 submissions from 2 submitters: Benign (1); Likely benign (1). Last evaluated 2025-09-23.

Conditions:
Hereditary diffuse gastric adenocarcinoma (HDGC). Also called: DIFFUSE GASTRIC AND LOBULAR BREAST CANCER SYNDROME. Identifiers: Orphanet 26106, MedGen C1708349, MONDO:0007648, OMIM 137215.

Submissions (2):

Labcorp Genetics (formerly Invitae), Labcorp
Classification: Benign for Hereditary diffuse gastric adenocarcinoma. Last evaluated: 2025-09-23. Review status: criteria provided, single submitter. Criteria: Invitae Variant Classification Sherloc (09022015). Collection method: clinical testing. Allele origin: germline.

Myriad Genetics, Inc.
Classification: Likely benign for Hereditary diffuse gastric adenocarcinoma. Last evaluated: 2024-09-20. Review status: criteria provided, single submitter. Criteria: Myriad Autosomal Dominant, Autosomal Recessive and X-Linked Classification Criteria (2023). Collection method: clinical testing. Allele origin: unknown.
Comment: This variant is considered likely benign. This variant is intronic and is not expected to impact mRNA splicing.